The following is an entry in ClinVar:

ClinVar aggregate classification (germline): Uncertain significance (1 of 4 stars; one submission).

gnomAD v4.1: 4 of 1,613,316 alleles (0.00025%); highest among the groups gnomAD compares: African/African-American, 0.0013%; no homozygotes.

Submission:

GeneDx
Classification: Uncertain significance. Last evaluated: 2024-08-05. Review status: criteria provided, single submitter. Criteria: GeneDx Variant Classification Process June 2021. Collection method: clinical testing. Allele origin: germline. Affected: yes.
Comment: In silico analysis supports that this missense variant has a deleterious effect on protein structure/function; Has not been previously published as pathogenic or benign to our knowledge

NM_001273.5(CHD4):c.1897G>T (p.Asp633Tyr)

Gene: CHD4 (chromodomain helicase DNA binding protein 4; minus strand). Cytogenetic location: 12p13.31.
Variant type: single nucleotide variant.
Coding change: c.1897G>T on transcript NM_001273.5 (MANE Select); coding-DNA position 1897, G replaced by T.
Protein change: p.Asp633Tyr; replaces aspartic acid 633 with tyrosine.
Molecular consequence: missense variant.
Genome position (GRCh38, 1-based): chr12:6,596,133, C>A on the plus strand (G>T on the coding strand, the complement: CHD4 is on the minus strand). VCF-style: chr12-6596133-C-A. GRCh37 (hg19) VCF-style: chr12-6705299-C-A.
Other names: c.1876G>T, p.Asp626Tyr (NM_001297553.2); c.1858G>T, p.Asp620Tyr (NM_001363606.2); short protein forms D620Y, D626Y, D633Y.
Identifiers: ClinVar variation 3603002 (VCV003603002.1).